The following is an entry in ClinVar:

ClinVar aggregate classification (germline): Uncertain significance (0 of 4 stars; one submission).

Conditions:
IFT27-related disorder. Also called: IFT27-related condition.

gnomAD v4.1: 11 of 1,614,104 alleles (0.00068%); highest among the groups gnomAD compares: South Asian, 0.0022%; no homozygotes.

Submission:

PreventionGenetics, part of Exact Sciences
Classification: Uncertain significance for IFT27-related condition. Last evaluated: 2024-07-10. Review status: no assertion criteria provided. Collection method: clinical testing. Allele origin: germline.
Comment: The IFT27 c.275A>G variant is predicted to result in the amino acid substitution p.Asn92Ser. To our knowledge, this variant has not been reported in the literature. This variant is reported in 0.0065% of alleles in individuals of South Asian descent in gnomAD. At this time, the clinical significance of this variant is uncertain due to the absence of conclusive functional and genetic evidence.

NM_001177701.3(IFT27):c.278A>G (p.Asn93Ser)

Genes: CACNG2-DT (CACNG2 divergent transcript; plus strand), IFT27 (intraflagellar transport 27; minus strand). Cytogenetic location: 22q12.3.
Variant type: single nucleotide variant.
Coding change: c.278A>G on transcript NM_001177701.3 (MANE Select); coding-DNA position 278, A replaced by G.
Protein change: p.Asn93Ser; replaces asparagine 93 with serine.
Molecular consequence: missense variant.
Genome position (GRCh38, 1-based): chr22:36,763,993, T>C on the plus strand (A>G on the coding strand, the complement: IFT27 is on the minus strand). VCF-style: chr22-36763993-T-C. GRCh37 (hg19) VCF-style: chr22-37160037-T-C.
Other names: c.278A>G, p.Asn93Ser (NM_001363003.2); c.275A>G, p.Asn92Ser (NM_006860.5); short protein forms N92S, N93S.
Identifiers: ClinVar variation 3354112 (VCV003354112.1).
Genomic context (GRCh38, chr22:36,763,993, plus strand): 5'-CCTGGAGCCTGTGACCGAGCCTTCTCCAGCCACTTGCTGCAGTTGTTGAAGGATTCTTCA[T>C]TGGTCACATCATAGACGAGACATAAGACATTGGGACTCTCCCACTGTGCAAGAGGGACAG-3'
Protein context (NP_001171172.1, residues 83-103): NVLCLVYDVT[Asn93Ser]EESFNNCSKW